The following is an entry in ClinVar:

NM_000264.5(PTCH1):c.982del (p.His328fs)

Gene: PTCH1 (patched 1; minus strand). Cytogenetic location: 9q22.32.
Variant type: Deletion.
Coding change: c.982del on transcript NM_000264.5 (MANE Select); coding-DNA position 982, one base deleted (C; older notation c.982delC).
Protein change: p.His328fs; shifts the reading frame from histidine 328.
Molecular consequence: frameshift variant. On other transcripts: non-coding transcript variant (1).
Genome position (GRCh38, 1-based): chr9:95,480,054, G deleted on the plus strand (C on the coding strand, the reverse complement: PTCH1 is on the minus strand). VCF-style (leftmost placement, unchanged base first): chr9-95480053-TG-T. GRCh37 (hg19) VCF-style: chr9-98242335-TG-T.
Other names: c.784del, p.His262fs (NM_001083602.3); c.979del, p.His327fs (NM_001083603.3); c.529del, p.His177fs (NM_001083604.3, NM_001083605.3, NM_001083606.3 and 1 more transcripts); c.982del, p.His328fs (NM_001354918.2); short protein forms H177fs, H327fs, H328fs, H262fs.
Identifiers: ClinVar variation 3646911 (VCV003646911.2).
Genomic context (GRCh38, chr9:95,480,053, plus strand): 5'-TTGACTGTGCCACCCACAATCAACTCCTCCTGCCAGTGCATATACTTTCTGGATAAGCCA[TG>T]ACATCCACCATTCAAAACAAGGGCCATATCAAGAGGCTAAAATAAAAAGACAGCCACATA-3'

ClinVar aggregate classification (germline): Pathogenic (1 of 4 stars; one submission).

Conditions:
Gorlin syndrome. Also called: Nevoid Basal Cell Carcinoma Syndrome; Basal cell nevus syndrome. Identifiers: Orphanet 377, MedGen C0004779, MONDO:0007187.

Submission:

Labcorp Genetics (formerly Invitae), Labcorp
Classification: Pathogenic for Gorlin syndrome. Last evaluated: 2024-03-20. Review status: criteria provided, single submitter. Criteria: Invitae Variant Classification Sherloc (09022015). Collection method: clinical testing. Allele origin: germline.
Comment: This sequence change creates a premature translational stop signal (p.His328Metfs*14) in the PTCH1 gene. It is expected to result in an absent or disrupted protein product. Loss-of-function variants in PTCH1 are known to be pathogenic (PMID: 16301862, 16419085). This variant is not present in population databases (gnomAD no frequency). This variant has not been reported in the literature in individuals affected with PTCH1-related conditions. For these reasons, this variant has been classified as Pathogenic.

Literature cited by the submitters: PubMed 16301862; PubMed 16419085.